The following is an entry in ClinVar:

NM_130466.4(UBE3B):c.2153T>A (p.Leu718His)

Gene: UBE3B (ubiquitin protein ligase E3B; plus strand). Cytogenetic location: 12q24.11.
Variant type: single nucleotide variant.
Coding change: c.2153T>A on transcript NM_130466.4 (MANE Select); coding-DNA position 2153, T replaced by A.
Protein change: p.Leu718His; replaces leucine 718 with histidine.
Molecular consequence: missense variant.
Genome position (GRCh38, 1-based): chr12:109,521,224, T>A. VCF-style: chr12-109521224-T-A. GRCh37 (hg19) VCF-style: chr12-109959029-T-A.
Other names: c.2153T>A, p.Leu718His (NM_183415.3); short protein forms L718H.
Identifiers: ClinVar variation 4778937 (VCV004778937.1).

ClinVar aggregate classification (germline): Uncertain significance (1 of 4 stars; one submission).

Submission:

Labcorp Genetics (formerly Invitae), Labcorp
Classification: Uncertain significance. Last evaluated: 2026-01-12. Review status: criteria provided, single submitter. Criteria: Invitae Variant Classification Sherloc (09022015). Collection method: clinical testing. Allele origin: germline.
Comment: This sequence change replaces leucine, which is neutral and non-polar, with histidine, which is basic and polar, at codon 718 of the UBE3B protein (p.Leu718His). This variant is not present in population databases (gnomAD no frequency). This variant has not been reported in the literature in individuals affected with UBE3B-related conditions. Invitae Evidence Modeling of protein sequence and biophysical properties (such as structural, functional, and spatial information, amino acid conservation, physicochemical variation, residue mobility, and thermodynamic stability) indicates that this missense variant is not expected to disrupt UBE3B protein function with a negative predictive value of 80%. In summary, the available evidence is currently insufficient to determine the role of this variant in disease. Therefore, it has been classified as a Variant of Uncertain Significance.